The following is an entry in ClinVar:

ClinVar aggregate classification (germline): Uncertain significance. Review status: criteria provided, multiple submitters, no conflicts (2 of 4 stars). 4 submissions from 4 submitters: Uncertain significance (3). 1 of the submissions does not count toward it. Last evaluated 2026-06-22.

Conditions:
Epidermolysis bullosa dystrophica inversa, autosomal recessive. Identifiers: MedGen C2673612.
Transient bullous dermolysis of the newborn (TBDN). Also called: EPIDERMOLYSIS BULLOSA DYSTROPHICA, NEONATAL FORM; DYSTROPHIC EPIDERMOLYSIS BULLOSA, NEONATAL. Identifiers: Orphanet 79411, MedGen C1851573, MONDO:0007548, OMIM 131705.
Recessive dystrophic epidermolysis bullosa (RDEB). Also called: epidermolysis bullosa dystrophica, autosomal recessive; DYSTROPHIC EPIDERMOLYSIS BULLOSA, AUTOSOMAL RECESSIVE; EPIDERMOLYSIS BULLOSA DYSTROPHICA, HALLOPEAU-SIEMENS TYPE; severe generalized recessive dystrophic epidermolysis bullosa; EPIDERMOLYSIS BULLOSA DYSTROPHICA, GENERALIZED SEVERE, AUTOSOMAL RECESSIVE; Hallopeau-Siemens Disease. Identifiers: Orphanet 79408, Orphanet 79409, MedGen C0079474, MONDO:0009179, OMIM 226600.
Epidermolysis bullosa pruriginosa. Also called: DEB, PRURIGINOSA; DYSTROPHIC EPIDERMOLYSIS BULLOSA PRURIGINOSA. Identifiers: Orphanet 89843, MedGen C1275114, MONDO:0011398, OMIM 604129.
Pretibial dystrophic epidermolysis bullosa. Also called: EPIDERMOLYSIS BULLOSA DYSTROPHICA, PRETIBIAL; Pretibial blistering; Pretibial epidermolysis bullosa. Identifiers: Orphanet 79410, MedGen C0432321, MONDO:0007552, OMIM 131850, HP:0012221.
Dominant dystrophic epidermolysis bullosa with absence of skin. Also called: EPIDERMOLYSIS BULLOSA WITH CONGENITAL LOCALIZED ABSENCE OF SKIN AND DEFORMITY OF NAILS; EPIDERMOLYSIS BULLOSA DYSTROPHICA, BART TYPE. Identifiers: MedGen C0268371, MONDO:0007557, OMIM 132000.
Generalized dominant dystrophic epidermolysis bullosa (DDEB). Also called: DDEB, generalized; DDEB-gen; DYSTROPHIC EPIDERMOLYSIS BULLOSA, AUTOSOMAL DOMINANT; Epidermolysis bullosa dystrophica, autosomal dominant; Dominant DEB (DDEB). Identifiers: Orphanet 231568, MedGen C0432322, MONDO:0007549, OMIM 131750.
Nonsyndromic congenital nail disorder 8. Also called: TOENAIL DYSTROPHY, ISOLATED. Identifiers: MedGen C1843761, MONDO:0011852, OMIM 607523.

Allele frequency attached by ClinVar (database versions not stated): gnomAD 0.00001; gnomAD exomes 0.00003; ExAC 0.00004; TOPMed 0.00005.
gnomAD v4.1: 33 of 1,612,898 alleles (0.002%); highest among the groups gnomAD compares: South Asian, 0.0077%; no homozygotes.

Submissions (4):

Women's Health and Genetics/Laboratory Corporation of America, LabCorp
Classification: Uncertain significance. Last evaluated: 2026-06-22. Review status: criteria provided, single submitter. Criteria: LabCorp Variant Classification Summary - May 2015. Collection method: clinical testing. Allele origin: germline.
Comment: Variant summary: COL7A1 c.4162C>T (p.Arg1388Cys) results in a non-conservative amino acid change in the encoded protein sequence. Algorithms developed to predict the effect of missense changes on protein structure and function all suggest that this variant is likely to be disruptive. The variant allele was found at a frequency of 2.8e-05 in 246530 control chromosomes. The available data on variant occurrences in the general population are insufficient to allow any conclusion about variant significance. c.4162C>T has been observed in individuals affected with COL7A1-related conditions without strong evidence of causality (Mariath_2019, Pongmee_2022). These reports do not provide unequivocal conclusions about association of the variant with disease. Co-occurrences with other pathogenic variant(s) have been reported (LAMC2 c.3385C>T, p.Arg1129Stop) (Pongmee_2022), providing supporting evidence for a benign role. To our knowledge, no experimental evidence demonstrating an impact on protein function has been reported. The following publications have been ascertained in the context of this evaluation (PMID: 31001817, 35432467). ClinVar contains an entry for this variant (Variation ID: 989733). Based on the evidence outlined above, the variant was classified as uncertain significance.

Labcorp Genetics (formerly Invitae), Labcorp
Classification: Uncertain significance. Last evaluated: 2025-10-20. Review status: criteria provided, single submitter. Criteria: Invitae Variant Classification Sherloc (09022015). Collection method: clinical testing. Allele origin: germline.
Comment: This sequence change replaces arginine, which is basic and polar, with cysteine, which is neutral and slightly polar, at codon 1388 of the COL7A1 protein (p.Arg1388Cys). This variant is present in population databases (rs565472139, gnomAD 0.01%). This variant has not been reported in the literature in individuals affected with COL7A1-related conditions. ClinVar contains an entry for this variant (Variation ID: 989733). Invitae Evidence Modeling of protein sequence and biophysical properties (such as structural, functional, and spatial information, amino acid conservation, physicochemical variation, residue mobility, and thermodynamic stability) has been performed for this missense variant. However, the output from this modeling did not meet the statistical confidence thresholds required to predict the impact of this variant on COL7A1 protein function. In summary, the available evidence is currently insufficient to determine the role of this variant in disease. Therefore, it has been classified as a Variant of Uncertain Significance.

Fulgent Genetics
Classification: Uncertain significance for Transient bullous dermolysis of the newborn; Generalized dominant dystrophic epidermolysis bullosa; Pretibial dystrophic epidermolysis bullosa; Dominant dystrophic epidermolysis bullosa with absence of skin; Recessive dystrophic epidermolysis bullosa; Epidermolysis bullosa pruriginosa; Nonsyndromic congenital nail disorder 8. Last evaluated: 2022-02-02. Review status: criteria provided, single submitter. Criteria: ACMG Guidelines, 2015. Collection method: clinical testing. Allele origin: unknown.

Natera, Inc.
Classification: Uncertain significance for Autosomal recessive epidermolysis bullosa dystrophica inversa. Last evaluated: 2020-10-08. Review status: no assertion criteria provided. Collection method: clinical testing. Allele origin: germline. Not counted in ClinVar's aggregate classification.

Literature cited by the submitters: PubMed 31001817 (cited by Women's Health and Genetics/Laboratory Corporation of America, LabCorp); PubMed 35432467 (cited by Women's Health and Genetics/Laboratory Corporation of America, LabCorp).

NM_000094.4(COL7A1):c.4162C>T (p.Arg1388Cys)

Gene: COL7A1 (collagen type VII alpha 1 chain; minus strand). Cytogenetic location: 3p21.31.
Variant type: single nucleotide variant.
Coding change: c.4162C>T on transcript NM_000094.4 (MANE Select); coding-DNA position 4162, C replaced by T.
Protein change: p.Arg1388Cys; replaces arginine 1388 with cysteine.
Molecular consequence: missense variant.
Genome position (GRCh38, 1-based): chr3:48,584,333, G>A on the plus strand (C>T on the coding strand, the complement: COL7A1 is on the minus strand). VCF-style: chr3-48584333-G-A. GRCh37 (hg19) VCF-style: chr3-48621766-G-A.
Other names: short protein forms R1388C.
Identifiers: ClinVar variation 989733 (VCV000989733.8), dbSNP rs565472139, ClinGen allele CA2380186.
Genomic context (GRCh38, chr3:48,584,333, plus strand): 5'-CACATGGCACTCATGAGGCTGTCACCTTCATGGCTGTTCCAGGAAGCCCTGGGGGGCCAC[G>A]GGGTCCTGGGTCCCCCAGTGGTCCACGAGGTCCAGGGGGGCCCTGATGGAGGAGACAAAG-3'
Protein context (NP_000085.1, residues 1378-1398): PRGPLGDPGP[Arg1388Cys]GPPGLPGTAM